The following is an entry in ClinVar:

NM_002775.5(HTRA1):c.34delinsTCCT (p.Leu11_Leu12insSer)

Gene: HTRA1 (HtrA serine peptidase 1; plus strand). Cytogenetic location: 10q26.13.
Variant type: Indel.
Coding change: c.34delinsTCCT on transcript NM_002775.5 (MANE Select); coding-DNA position 34, C replaced by TCCT.
Protein change: p.Leu11_Leu12insSer.
Molecular consequence: inframe insertion.
Genome position (GRCh38, 1-based): chr10:122,461,686, C replaced by TCCT. VCF-style: chr10-122461686-C-TCCT. GRCh37 (hg19) VCF-style: chr10-124221202-C-TCCT.
Other names: c.34delinsTCCT (NM_002775.4).
Identifiers: ClinVar variation 2799614 (VCV002799614.4), dbSNP rs2497575307, ClinGen allele CA2695213169.
Genomic context (GRCh38, chr10:122,461,686, plus strand): 5'-GCCACCGCCGCCGCCGCCAGAGTCGCCATGCAGATCCCGCGCGCCGCTCTTCTCCCGCTG[C>TCCT]TGCTGCTGCTGCTGGCGGCGCCCGCCTCGGCGCAGCTGTCCCGGGCCGGCCGCTCGGCGC-3'

ClinVar aggregate classification (germline): Uncertain significance. Review status: criteria provided, single submitter (1 of 4 stars). 2 submissions from 2 submitters: Uncertain significance (1). 1 of the submissions does not count toward it. Last evaluated 2023-08-11.

Conditions:
HTRA1-related disorder. Also called: HTRA1-related condition.

Submissions (2):

Labcorp Genetics (formerly Invitae), Labcorp
Classification: Uncertain significance. Last evaluated: 2023-08-11. Review status: criteria provided, single submitter. Criteria: Invitae Variant Classification Sherloc (09022015). Collection method: clinical testing. Allele origin: germline.
Comment: This variant, c.34delinsTCCT, results in the insertion of 1 amino acid(s) of the HTRA1 protein (p.Leu11_Leu12insSer), but otherwise preserves the integrity of the reading frame. Information on the frequency of this variant in the gnomAD database is not available, as this variant may be reported differently in the database. This variant has not been reported in the literature in individuals affected with HTRA1-related conditions. In summary, the available evidence is currently insufficient to determine the role of this variant in disease. Therefore, it has been classified as a Variant of Uncertain Significance.

PreventionGenetics, part of Exact Sciences
Classification: Uncertain significance for HTRA1-related condition. Last evaluated: 2024-08-02. Review status: no assertion criteria provided. Collection method: clinical testing. Allele origin: germline. Not counted in ClinVar's aggregate classification.
Comment: The HTRA1 c.34delinsTCCT variant is predicted to result in an in-frame deletion and insertion. This variant has not been associated with cerebral small vessel disease, but it was reported as a protective factor in macular degeneration (Ng et al. 2017. PubMed ID: 27841854). Although we suspect that this variant could be benign,  at this time, the clinical significance of this variant is uncertain due to the absence of conclusive functional and genetic evidence.